The following is an entry in ClinVar:

ClinVar aggregate classification (germline): Pathogenic (1 of 4 stars; one submission).

Conditions:
Hereditary cancer-predisposing syndrome. Also called: Hereditary neoplastic syndrome; Hereditary Cancer Syndrome; Neoplastic Syndromes, Hereditary; Tumor predisposition. Identifiers: Orphanet 140162, MedGen C0027672, MeSH D009386, MONDO:0015356.

Submission:

Ambry Genetics
Classification: Pathogenic for Hereditary cancer-predisposing syndrome. Last evaluated: 2023-06-02. Review status: criteria provided, single submitter. Criteria: Ambry Variant Classification Scheme 2023. Collection method: clinical testing. Allele origin: germline.
Comment: The c.712_713delTG pathogenic mutation, located in coding exon 6 of the SDHA gene, results from a deletion of two nucleotides at nucleotide positions 712 to 713, causing a translational frameshift with a predicted alternate stop codon (p.C238Hfs*82). This variant is considered to be rare based on population cohorts in the Genome Aggregation Database (gnomAD). This alteration is expected to result in loss of function by premature protein truncation or nonsense-mediated mRNA decay. As such, this alteration is interpreted as a disease-causing mutation.

NM_004168.4(SDHA):c.712_713del (p.Cys238fs)

Gene: SDHA (succinate dehydrogenase complex flavoprotein subunit A; plus strand). Cytogenetic location: 5p15.33.
Variant type: Microsatellite.
Coding change: c.712_713del on transcript NM_004168.4 (MANE Select); coding-DNA positions 712 to 713, 2 bases deleted (TG; older notation c.712_713delTG).
Protein change: p.Cys238fs; shifts the reading frame from cysteine 238.
Molecular consequence: frameshift variant.
Genome position (GRCh38, 1-based): chr5:228,275-228,276, TG deleted; deleting any 2 consecutive bases within chr5:228,273-228,276 gives the same sequence; the c. name uses the placement nearest the transcript's 3' end. VCF-style (leftmost placement, unchanged base first): chr5-228272-CTG-C. GRCh37 (hg19) VCF-style: chr5-228387-CTG-C.
Other names: c.568_569del, p.Cys190fs (NM_001294332.2); c.712_713del, p.Cys238fs (NM_001330758.2); short protein forms C190fs, C238fs.
Identifiers: ClinVar variation 2567100 (VCV002567100.2), dbSNP rs2477316500, ClinGen allele CA2580613492.
Genomic context (GRCh38, chr5:228,272, plus strand): 5'-GTGGAGTATTTTGCCTTGGATCTCCTGATGGAGAATGGGGAGTGCCGTGGTGTCATCGCA[CTG>C]TGCATAGAGGACGGGTCCATCCATCGCATAAGAGCAAAGAACACTGTTGTTGCCACAGGG-3'